The following is an entry in ClinVar:

ClinVar aggregate classification (germline): Pathogenic (1 of 4 stars; one submission).

Submission:

Labcorp Genetics (formerly Invitae), Labcorp
Classification: Pathogenic. Last evaluated: 2023-11-01. Review status: criteria provided, single submitter. Criteria: Invitae Variant Classification Sherloc (09022015). Collection method: clinical testing. Allele origin: germline.
Comment: This sequence change replaces glycine, which is neutral and non-polar, with serine, which is neutral and polar, at codon 1033 of the COL4A5 protein (p.Gly1033Ser). This variant is not present in population databases (gnomAD no frequency). This missense change has been observed in individual(s) with Alport syndrome (PMID: 31328266). In at least one individual the variant was observed to be de novo. Advanced modeling of protein sequence and biophysical properties (such as structural, functional, and spatial information, amino acid conservation, physicochemical variation, residue mobility, and thermodynamic stability) performed at Invitae indicates that this missense variant is expected to disrupt COL4A5 protein function with a positive predictive value of 95%. This variant disrupts the triple helix domain of COL4A5. Glycine residues within the Gly-Xaa-Yaa repeats of the triple helix domain are required for the structure and stability of fibrillar collagens (PMID: 7695699, 8218237, 19344236). In COL4A5, missense variants at these glycine residues are significantly enriched in individuals with disease (PMID: 23720012, 27627812) compared to the general population (ExAC). For these reasons, this variant has been classified as Pathogenic.

Literature cited by the submitters: PubMed 31328266; PubMed 7695699; PubMed 8218237; PubMed 19344236; PubMed 23720012; PubMed 27627812.

NM_033380.3(COL4A5):c.3097G>A (p.Gly1033Ser)

Gene: COL4A5 (collagen type IV alpha 5 chain; plus strand). Cytogenetic location: Xq22.3.
Variant type: single nucleotide variant.
Coding change: c.3097G>A on transcript NM_033380.3 (MANE Select); coding-DNA position 3097, G replaced by A.
Protein change: p.Gly1033Ser; replaces glycine 1033 with serine.
Molecular consequence: missense variant.
Genome position (GRCh38, 1-based): chrX:108,625,785, G>A. VCF-style: chrX-108625785-G-A. GRCh37 (hg19) VCF-style: chrX-107869015-G-A.
Other names: c.3097G>A, p.Gly1033Ser (NM_000495.5); short protein forms G1033S.
Identifiers: ClinVar variation 2772780 (VCV002772780.3), dbSNP rs2524420680, ClinGen allele CA413854761.